The following is an entry in ClinVar:

NM_001199397.3(NEK1):c.2886-2A>G

Gene: NEK1 (NIMA related kinase 1; minus strand). Cytogenetic location: 4q33.
Variant type: single nucleotide variant.
Coding change: c.2886-2A>G on transcript NM_001199397.3 (MANE Select); the canonical splice acceptor site of the intron before coding-DNA position 2886, A replaced by G.
Molecular consequence: splice acceptor variant.
Genome position (GRCh38, 1-based): chr4:169,426,236, T>C on the plus strand (A>G on the coding strand, the complement: NEK1 is on the minus strand). VCF-style: chr4-169426236-T-C. GRCh37 (hg19) VCF-style: chr4-170347387-T-C.
Other names: c.2403-2A>G (NM_001374421.1); c.2751-2A>G (NM_001374420.1); c.2595-2A>G (NM_001199399.3); c.2754-2A>G (NM_001199398.3); c.2802-2A>G (NM_001374419.1, NM_012224.4); c.2670-2A>G (NM_001199400.3); c.2886-2A>G (NM_001374418.1).
Identifiers: ClinVar variation 3050690 (VCV003050690.2), dbSNP rs1736367074, ClinGen allele CA358801856.

ClinVar aggregate classification (germline): Likely pathogenic (0 of 4 stars; one submission).

Conditions:
NEK1-related disorder. Also called: NEK1-related condition.

Allele frequency attached by ClinVar (database versions not stated): gnomAD exomes below 0.00001.
gnomAD v4.1: 1 of 1,611,844 alleles (0.000062%); highest among the groups gnomAD compares: Non-Finnish European, 0.000085%; no homozygotes.

Submission:

PreventionGenetics, part of Exact Sciences
Classification: Likely pathogenic for NEK1-related condition. Last evaluated: 2024-03-14. Review status: no assertion criteria provided. Collection method: clinical testing. Allele origin: germline.
Comment: The NEK1 c.2802-2A>G variant is predicted to disrupt the AG splice acceptor site and interfere with normal splicing. To our knowledge, this variant has not been reported in the literature or in a large population database, indicating this variant is rare. Variants that disrupt the consensus splice acceptor site in NEK1 are expected to be pathogenic. This variant is interpreted as likely pathogenic.